The following is an entry in ClinVar:

NM_005245.4(FAT1):c.13411G>A (p.Ala4471Thr)

Genes: FAT1 (FAT atypical cadherin 1; minus strand), LOC126807253 (BRD4-independent group 4 enhancer GRCh37_chr4:187509297-187510496; plus strand). Cytogenetic location: 4q35.2.
Variant type: single nucleotide variant.
Coding change: c.13411G>A on transcript NM_005245.4 (MANE Select); coding-DNA position 13411, G replaced by A.
Protein change: p.Ala4471Thr; replaces alanine 4471 with threonine.
Molecular consequence: missense variant.
Genome position (GRCh38, 1-based): chr4:186,588,948, C>T on the plus strand (G>A on the coding strand, the complement: FAT1 is on the minus strand). VCF-style: chr4-186588948-C-T. GRCh37 (hg19) VCF-style: chr4-187510102-C-T.
Other names: short protein forms A4471T.
Identifiers: ClinVar variation 2411170 (VCV002411170.3), dbSNP rs368666671, ClinGen allele CA3164536.

ClinVar aggregate classification (germline): Uncertain significance. Review status: criteria provided, multiple submitters, no conflicts (2 of 4 stars). 2 submissions from 2 submitters: Uncertain significance (2). Last evaluated 2025-08-29.

Conditions:
Inborn genetic diseases. Identifiers: MedGen C0950123, MeSH D030342.

Allele frequency attached by ClinVar (database versions not stated): ExAC 0.00001; gnomAD exomes 0.00002; TOPMed 0.00004; gnomAD 0.00005; ESP Exome Variant Server 0.00008.
gnomAD v4.1: 54 of 1,613,936 alleles (0.0033%); highest among the groups gnomAD compares: African/African-American, 0.02%; 1 homozygote.

Submissions (2):

Labcorp Genetics (formerly Invitae), Labcorp
Classification: Uncertain significance. Last evaluated: 2025-08-29. Review status: criteria provided, single submitter. Criteria: Invitae Variant Classification Sherloc (09022015). Collection method: clinical testing. Allele origin: germline.
Comment: This sequence change replaces alanine, which is neutral and non-polar, with threonine, which is neutral and polar, at codon 4471 of the FAT1 protein (p.Ala4471Thr). This variant is present in population databases (rs368666671, gnomAD 0.008%). This variant has not been reported in the literature in individuals affected with FAT1-related conditions. ClinVar contains an entry for this variant (Variation ID: 2411170). An algorithm developed to predict the effect of missense changes on protein structure and function outputs the following: PolyPhen-2: "Benign". The threonine amino acid residue is found in multiple mammalian species, which suggests that this missense change does not adversely affect protein function. In summary, the available evidence is currently insufficient to determine the role of this variant in disease. Therefore, it has been classified as a Variant of Uncertain Significance.

Ambry Genetics
Classification: Uncertain significance for Inborn genetic diseases. Last evaluated: 2021-08-09. Review status: criteria provided, single submitter. Criteria: Ambry Variant Classification Scheme 2023. Collection method: clinical testing. Allele origin: germline.